The following is an entry in ClinVar:

ClinVar aggregate classification (germline): Uncertain significance. Review status: criteria provided, multiple submitters, no conflicts (2 of 4 stars). 4 submissions from 4 submitters: Uncertain significance (4). Last evaluated 2025-12-21.

Conditions:
Familial adenomatous polyposis 3. Also called: NTHL1-associated polyposis; NTHL1-related attenuated familial adenomatous polyposis; NTHL1-Related Adenomatous Polyposis and Colorectal Cancer; NTHL1 Tumor Syndrome. Identifiers: Orphanet 220460, Orphanet 454840, MedGen C4225157, MONDO:0014630, OMIM 616415.
Hereditary cancer-predisposing syndrome. Also called: Neoplastic Syndromes, Hereditary; Hereditary Cancer Syndrome; Tumor predisposition; Hereditary neoplastic syndrome. Identifiers: Orphanet 140162, MedGen C0027672, MeSH D009386, MONDO:0015356.

Allele frequency attached by ClinVar (database versions not stated): gnomAD exomes 0.00002; ExAC 0.00003; TOPMed 0.00004; ESP Exome Variant Server 0.00015.
gnomAD v4.1: 11 of 1,613,846 alleles (0.00068%); highest among the groups gnomAD compares: African/African-American, 0.0093%; no homozygotes.

Submissions (4):

Labcorp Genetics (formerly Invitae), Labcorp
Classification: Uncertain significance. Last evaluated: 2025-12-21. Review status: criteria provided, single submitter. Criteria: Invitae Variant Classification Sherloc (09022015). Collection method: clinical testing. Allele origin: germline.
Comment: This sequence change replaces threonine, which is neutral and polar, with serine, which is neutral and polar, at codon 252 of the NTHL1 protein (p.Thr252Ser). This variant is present in population databases (rs145312239, gnomAD 0.03%). This variant has not been reported in the literature in individuals affected with NTHL1-related conditions. ClinVar contains an entry for this variant (Variation ID: 647306). An algorithm developed to predict the effect of missense changes on protein structure and function (PolyPhen-2) suggests that this variant is likely to be tolerated. In summary, the available evidence is currently insufficient to determine the role of this variant in disease. Therefore, it has been classified as a Variant of Uncertain Significance.

Quest Diagnostics Nichols Institute San Juan Capistrano
Classification: Uncertain significance. Last evaluated: 2024-03-26. Review status: criteria provided, single submitter. Criteria: Quest Diagnostics criteria. Collection method: clinical testing. Allele origin: unknown.
Comment: The NTHL1 c.755C>G (p.Thr252Ser) variant has not been reported in individuals with NTHL1-related conditions in the published literature. The frequency of this variant in the general population, 0.00031 (5/16244 chromosomes (Genome Aggregation Database)), is uninformative in the assessment of its pathogenicity. Analysis of this variant using bioinformatics tools for the prediction of the effect of amino acid changes on protein structure and function yielded predictions that this variant is benign. Based on the available information, we are unable to determine the clinical significance of this variant.

Baylor Genetics
Classification: Uncertain significance for Familial adenomatous polyposis 3. Last evaluated: 2024-02-06. Review status: criteria provided, single submitter. Criteria: ACMG Guidelines, 2015. Collection method: clinical testing. Allele origin: unknown.

Ambry Genetics
Classification: Uncertain significance for Hereditary cancer-predisposing syndrome. Last evaluated: 2024-01-30. Review status: criteria provided, single submitter. Criteria: Ambry Variant Classification Scheme 2023. Collection method: clinical testing. Allele origin: germline.
Comment: The p.T252S variant (also known as c.755C>G), located in coding exon 5 of the NTHL1 gene, results from a C to G substitution at nucleotide position 755. The threonine at codon 252 is replaced by serine, an amino acid with similar properties. This amino acid position is not well conserved in available vertebrate species. In addition, this alteration is predicted to be tolerated by in silico analysis. Since supporting evidence is limited at this time, the clinical significance of this alteration remains unclear.

NM_002528.7(NTHL1):c.731C>G (p.Thr244Ser)

Gene: NTHL1 (nth like DNA glycosylase 1; minus strand). Cytogenetic location: 16p13.3.
Variant type: single nucleotide variant.
Coding change: c.731C>G on transcript NM_002528.7 (MANE Select); coding-DNA position 731, C replaced by G.
Protein change: p.Thr244Ser; replaces threonine 244 with serine.
Molecular consequence: missense variant.
Genome position (GRCh38, 1-based): chr16:2,040,193, G>C on the plus strand (C>G on the coding strand, the complement: NTHL1 is on the minus strand). VCF-style: chr16-2040193-G-C. GRCh37 (hg19) VCF-style: chr16-2090194-G-C.
Other names: c.731C>G, p.Thr244Ser (LRG_1366t1); c.560C>G, p.Thr187Ser (NM_001318193.2); c.401C>G, p.Thr134Ser (NM_001318194.2); short protein forms T187S, T134S, T244S.
Identifiers: ClinVar variation 647306 (VCV000647306.14), dbSNP rs145312239, ClinGen allele CA7828134.